The following is an entry in ClinVar:

ClinVar aggregate classification (germline): Uncertain significance. Review status: criteria provided, multiple submitters, no conflicts (2 of 4 stars). 2 submissions from 2 submitters: Uncertain significance (2). Last evaluated 2025-06-03.

Conditions:
Inborn genetic diseases. Identifiers: MedGen C0950123, MeSH D030342.

Allele frequency attached by ClinVar (database versions not stated): gnomAD exomes 0.00002; TOPMed 0.00002; ExAC 0.00003; gnomAD 0.00003 and 0.00004.
gnomAD v4.1: 16 of 1,588,478 alleles (0.001%); highest among the groups gnomAD compares: Admixed American, 0.012%; no homozygotes.

Submissions (2):

Labcorp Genetics (formerly Invitae), Labcorp
Classification: Uncertain significance. Last evaluated: 2025-06-03. Review status: criteria provided, single submitter. Criteria: Invitae Variant Classification Sherloc (09022015). Collection method: clinical testing. Allele origin: germline.
Comment: This sequence change replaces valine, which is neutral and non-polar, with methionine, which is neutral and non-polar, at codon 403 of the TCF3 protein (p.Val403Met). This variant is present in population databases (rs758863286, gnomAD 0.005%). This variant has not been reported in the literature in individuals affected with TCF3-related conditions. ClinVar contains an entry for this variant (Variation ID: 1431570). Invitae Evidence Modeling of protein sequence and biophysical properties (such as structural, functional, and spatial information, amino acid conservation, physicochemical variation, residue mobility, and thermodynamic stability) indicates that this missense variant is expected to disrupt TCF3 protein function with a positive predictive value of 80%. In summary, the available evidence is currently insufficient to determine the role of this variant in disease. Therefore, it has been classified as a Variant of Uncertain Significance.

Ambry Genetics
Classification: Uncertain significance for Inborn genetic diseases. Last evaluated: 2022-06-09. Review status: criteria provided, single submitter. Criteria: Ambry Variant Classification Scheme 2023. Collection method: clinical testing. Allele origin: germline.

NM_003200.5(TCF3):c.1207G>A (p.Val403Met)

Gene: TCF3 (transcription factor 3; minus strand). Cytogenetic location: 19p13.3.
Variant type: single nucleotide variant.
Coding change: c.1207G>A on transcript NM_003200.5 (MANE Select); coding-DNA position 1207, G replaced by A.
Protein change: p.Val403Met; replaces valine 403 with methionine.
Molecular consequence: missense variant.
Genome position (GRCh38, 1-based): chr19:1,619,435, C>T on the plus strand (G>A on the coding strand, the complement: TCF3 is on the minus strand). VCF-style: chr19-1619435-C-T. GRCh37 (hg19) VCF-style: chr19-1619434-C-T.
Other names: c.1207G>A (NM_003200.3); c.1207G>A, p.Val403Met (NM_001136139.4, NM_001351779.2); c.1204G>A, p.Val402Met (NM_001351778.2); short protein forms V403M, V402M.
Identifiers: ClinVar variation 1431570 (VCV001431570.7), dbSNP rs758863286, ClinGen allele CA9049979.